The following is an entry in ClinVar:

NM_054012.4(ASS1):c.773+4A>G

Gene: ASS1 (argininosuccinate synthase 1; plus strand). Cytogenetic location: 9q34.11.
Variant type: single nucleotide variant.
Coding change: c.773+4A>G on transcript NM_054012.4 (MANE Select); 4 bases into the intron after coding-DNA position 773, A replaced by G.
Molecular consequence: intron variant.
Genome position (GRCh38, 1-based): chr9:130,479,804, A>G. VCF-style: chr9-130479804-A-G. GRCh37 (hg19) VCF-style: chr9-133355191-A-G.
Other names: c.773+4A>G (NM_000050.4).
Identifiers: ClinVar variation 3596479 (VCV003596479.2).

ClinVar aggregate classification (germline): Conflicting classifications of pathogenicity. Review status: criteria provided, conflicting classifications (1 of 4 stars). 2 submissions from 2 submitters: Likely pathogenic (1); Uncertain significance (1). Last evaluated 2026-04-15.

Conditions:
Citrullinemia type I (CTNL1). Also called: argininosuccinate synthetase deficiency; ASS DEFICIENCY. Identifiers: Orphanet 247525, MedGen C4721769, MONDO:0008988, OMIM 215700.

gnomAD v4.1: 1 of 1,613,570 alleles (0.000062%); highest among the groups gnomAD compares: Non-Finnish European, 0.000085%; no homozygotes.

Submissions (2):

Myriad Genetics, Inc.
Classification: Uncertain significance for Citrullinemia type I. Last evaluated: 2026-04-15. Review status: criteria provided, single submitter. Criteria: Myriad Autosomal Dominant, Autosomal Recessive and X-Linked Classification Criteria (2023). Collection method: clinical testing. Allele origin: unknown.
Comment: NM_000050.4(ASS1):c.773+4A>G is an intronic variant classified as a variant of uncertain significance in the context of citrullinemia type 1. c.773+4A>G has not been observed in cases with relevant disease. Relevant functional assessments of this variant are not available in the literature. c.773+4A>G has not been observed in referenced population frequency databases. In summary, there is insufficient evidence to classify NM_000050.4(ASS1):c.773+4A>G as pathogenic or benign. Please note: this variant was assessed in the context of healthy population screening.

Fulgent Genetics
Classification: Likely pathogenic for Citrullinemia type I. Last evaluated: 2024-05-15. Review status: criteria provided, single submitter. Criteria: ACMG Guidelines, 2015. Collection method: clinical testing. Allele origin: germline.